The following is an entry in ClinVar:

ClinVar aggregate classification (germline): Pathogenic (1 of 4 stars; one submission).

Conditions:
Glycogen storage disease XV (GSD15). Also called: GLYCOGENIN DEFICIENCY; GSD XV. Identifiers: Orphanet 263297, MedGen C3150754, MONDO:0013291, OMIM 613507.
Polyglucosan body myopathy type 2. Identifiers: Orphanet 456369, MedGen C4015452, MONDO:0014526, OMIM 616199.

Submission:

Labcorp Genetics (formerly Invitae), Labcorp
Classification: Pathogenic for Polyglucosan body myopathy type 2; Glycogen storage disease XV. Last evaluated: 2025-04-11. Review status: criteria provided, single submitter. Criteria: Invitae Variant Classification Sherloc (09022015). Collection method: clinical testing. Allele origin: germline.
Comment: This sequence change creates a premature translational stop signal (p.Tyr187*) in the GYG1 gene. It is expected to result in an absent or disrupted protein product. Loss-of-function variants in GYG1 are known to be pathogenic (PMID: 20357282, 25272951). This variant is not present in population databases (gnomAD no frequency). This variant has not been reported in the literature in individuals affected with GYG1-related conditions. For these reasons, this variant has been classified as Pathogenic.

Literature cited by the submitters: PubMed 20357282; PubMed 25272951.

NM_004130.4(GYG1):c.561T>G (p.Tyr187Ter)

Gene: GYG1 (glycogenin 1; plus strand). Cytogenetic location: 3q24.
Variant type: single nucleotide variant.
Coding change: c.561T>G on transcript NM_004130.4 (MANE Select); coding-DNA position 561, T replaced by G.
Protein change: p.Tyr187Ter; replaces tyrosine 187 with a stop codon.
Molecular consequence: nonsense.
Genome position (GRCh38, 1-based): chr3:149,009,355, T>G. VCF-style: chr3-149009355-T-G. GRCh37 (hg19) VCF-style: chr3-148727142-T-G.
Other names: c.561T>G, p.Tyr187Ter (NM_001184720.2, NM_001184721.2); short protein forms Y187*.
Identifiers: ClinVar variation 4784695 (VCV004784695.1).